The following is an entry in ClinVar:

ClinVar aggregate classification (germline): Uncertain significance. Review status: criteria provided, multiple submitters, no conflicts (2 of 4 stars). 3 submissions from 3 submitters: Uncertain significance (3). Last evaluated 2025-05-28.

Conditions:
MYO5B-related disorder. Also called: MYO5B-related condition.
Inborn genetic diseases. Identifiers: MedGen C0950123, MeSH D030342.

Allele frequency attached by ClinVar (database versions not stated): ESP Exome Variant Server 0.00008; gnomAD 0.00008 and 0.00009; gnomAD exomes 0.00008; ExAC 0.00010; TOPMed 0.00010.
gnomAD v4.1: 54 of 1,613,888 alleles (0.0033%); highest among the groups gnomAD compares: African/African-American, 0.023%; no homozygotes.

Submissions (3):

PreventionGenetics, part of Exact Sciences
Classification: Uncertain significance for MYO5B-related condition. Last evaluated: 2025-05-28. Review status: criteria provided, single submitter. Criteria: ACMG Guidelines, 2015. Collection method: clinical testing. Allele origin: germline.
Comment: The MYO5B c.2485C>T variant is predicted to result in the amino acid substitution p.Arg829Cys. To our knowledge, this variant has not been reported in the literature. This variant is reported in 0.050% of alleles in individuals of African descent in gnomAD. At this time, the clinical significance of this variant is uncertain due to the absence of conclusive functional and genetic evidence.

Ambry Genetics
Classification: Uncertain significance for Inborn genetic diseases. Last evaluated: 2024-10-20. Review status: criteria provided, single submitter. Criteria: Ambry Variant Classification Scheme 2023. Collection method: clinical testing. Allele origin: germline.

Labcorp Genetics (formerly Invitae), Labcorp
Classification: Uncertain significance. Last evaluated: 2022-09-27. Review status: criteria provided, single submitter. Criteria: Invitae Variant Classification Sherloc (09022015). Collection method: clinical testing. Allele origin: germline.
Comment: In summary, the available evidence is currently insufficient to determine the role of this variant in disease. Therefore, it has been classified as a Variant of Uncertain Significance. Advanced modeling of protein sequence and biophysical properties (such as structural, functional, and spatial information, amino acid conservation, physicochemical variation, residue mobility, and thermodynamic stability) performed at Invitae indicates that this missense variant is not expected to disrupt MYO5B protein function. ClinVar contains an entry for this variant (Variation ID: 1450938). This variant has not been reported in the literature in individuals affected with MYO5B-related conditions. This variant is present in population databases (rs375202395, gnomAD 0.05%). This sequence change replaces arginine, which is basic and polar, with cysteine, which is neutral and slightly polar, at codon 829 of the MYO5B protein (p.Arg829Cys).

NM_001080467.3(MYO5B):c.2485C>T (p.Arg829Cys)

Gene: MYO5B (myosin VB; minus strand). Cytogenetic location: 18q21.1.
Variant type: single nucleotide variant.
Coding change: c.2485C>T on transcript NM_001080467.3 (MANE Select); coding-DNA position 2485, C replaced by T.
Protein change: p.Arg829Cys; replaces arginine 829 with cysteine.
Molecular consequence: missense variant.
Genome position (GRCh38, 1-based): chr18:49,904,758, G>A on the plus strand (C>T on the coding strand, the complement: MYO5B is on the minus strand). VCF-style: chr18-49904758-G-A. GRCh37 (hg19) VCF-style: chr18-47431128-G-A.
Other names: c.2485C>T (NM_001080467.2); short protein forms R829C.
Identifiers: ClinVar variation 1450938 (VCV001450938.8), dbSNP rs375202395, ClinGen allele CA8961060.